The following is an entry in ClinVar:

ClinVar aggregate classification (germline): Uncertain significance (1 of 4 stars; one submission).

Conditions:
Autosomal dominant polycystic kidney disease. Identifiers: Orphanet 730, MedGen C0085413, MONDO:0004691.

gnomAD v4.1: 5 of 1,204,596 alleles (0.00042%); highest among the groups gnomAD compares: Non-Finnish European, 0.00055%; no homozygotes.

Submission:

Labcorp Genetics (formerly Invitae), Labcorp
Classification: Uncertain significance for Autosomal dominant polycystic kidney disease. Last evaluated: 2025-12-11. Review status: criteria provided, single submitter. Criteria: Invitae Variant Classification Sherloc (09022015). Collection method: clinical testing. Allele origin: germline.
Comment: This sequence change replaces glutamic acid, which is acidic and polar, with aspartic acid, which is acidic and polar, at codon 97 of the PKD2 protein (p.Glu97Asp). This variant is not present in population databases (gnomAD no frequency). This variant has not been reported in the literature in individuals affected with PKD2-related conditions. An algorithm developed to predict the effect of missense changes on protein structure and function outputs the following: PolyPhen-2: "Benign". The aspartic acid amino acid residue is found in multiple mammalian species, which suggests that this missense change does not adversely affect protein function. In summary, the available evidence is currently insufficient to determine the role of this variant in disease. Therefore, it has been classified as a Variant of Uncertain Significance.

NM_000297.4(PKD2):c.291G>T (p.Glu97Asp)

Genes: PKD2 (polycystin 2, transient receptor potential cation channel; plus strand), LOC129992813 (ATAC-STARR-seq lymphoblastoid silent region 15559; plus strand). Cytogenetic location: 4q22.1.
Variant type: single nucleotide variant.
Coding change: c.291G>T on transcript NM_000297.4 (MANE Select); coding-DNA position 291, G replaced by T.
Protein change: p.Glu97Asp; replaces glutamic acid 97 with aspartic acid.
Molecular consequence: missense variant. On other transcripts: non-coding transcript variant (1).
Genome position (GRCh38, 1-based): chr4:88,008,024, G>T. VCF-style: chr4-88008024-G-T. GRCh37 (hg19) VCF-style: chr4-88929176-G-T.
Other names: c.291G>T, p.Glu97Asp (NM_001440544.1); short protein forms E97D.
Identifiers: ClinVar variation 4732987 (VCV004732987.1).